The following is an entry in ClinVar:

NM_000112.4(SLC26A2):c.207del (p.Phe69fs)

Gene: SLC26A2 (solute carrier family 26 member 2; plus strand). Cytogenetic location: 5q32.
Variant type: Deletion.
Coding change: c.207del on transcript NM_000112.4 (MANE Select); coding-DNA position 207, one base deleted (T; older notation c.207delT).
Protein change: p.Phe69fs; shifts the reading frame from phenylalanine 69.
Molecular consequence: frameshift variant.
Genome position (GRCh38, 1-based): chr5:149,977,859, T deleted; the last of 3 consecutive T bases (chr5:149,977,857-149,977,859); deleting any one gives the same sequence. VCF-style (leftmost placement, unchanged base first): chr5-149977856-GT-G. GRCh37 (hg19) VCF-style: chr5-149357419-GT-G.
Other names: c.207delT (NM_000112.3); c.207del (NM_000112.3); short protein forms F69fs.
Identifiers: ClinVar variation 371687 (VCV000371687.4), dbSNP rs1057517462, ClinGen allele CA16040986.

ClinVar aggregate classification (germline): Likely pathogenic. Review status: criteria provided, single submitter (1 of 4 stars). 5 submissions from 2 submitters: Likely pathogenic (1). 4 of the submissions do not count toward it. Last evaluated 2024-08-22.

Conditions:
Achondrogenesis, type IB (ACG1B). Also called: Achondrogenesis Type 1B. Identifiers: Orphanet 932, Orphanet 93298, MedGen C0265274, MONDO:0010966, OMIM 600972.
Diastrophic dysplasia (DTD). Also called: Diastrophic dwarfism. Identifiers: Orphanet 628, MedGen C0220726, MONDO:0009107, OMIM 222600.
Atelosteogenesis type II (AO2). Also called: NEONATAL OSSEOUS DYSPLASIA I; Neonatal osseous dysplasia 1; SLC26A2-Related Atelosteogenesis. Identifiers: Orphanet 56304, MedGen C1850554, MONDO:0009727, OMIM 256050.
Multiple epiphyseal dysplasia type 4 (EDM4). Also called: MULTIPLE EPIPHYSEAL DYSPLASIA WITH BILAYERED PATELLAE; MULTIPLE EPIPHYSEAL DYSPLASIA WITH CLUBFOOT; MULTIPLE EPIPHYSEAL DYSPLASIA, AUTOSOMAL RECESSIVE; Multiple Epiphyseal Dysplasia, Recessive; SLC26A2-Related Multiple Epiphyseal Dysplasia. Identifiers: Orphanet 93307, MedGen C1847593, MONDO:0009189, OMIM 226900.

Submissions (5):

Natera, Inc.
Classification: Likely pathogenic for Achondrogenesis type IB. Last evaluated: 2024-08-22. Review status: criteria provided, single submitter. Criteria: Natera Variant Classification Schema (03/2026). Collection method: clinical testing. Allele origin: germline.
Comment: The c.207del variant in SLC26A2 is a frameshift variant predicted to shift the reading frame beginning at codon 69 and leads to a stop codon 20 codons downstream. This variant is expected to result in nonsense mediated decay, truncation, or a dysfunctional protein product. This variant is rare in the general population with a frequency below the threshold expected for the associated phenotype(s). Given the available evidence, this variant is classified as Likely Pathogenic.

Counsyl
Classification: Likely pathogenic for Diastrophic dysplasia. Last evaluated: 2015-11-18. Review status: no assertion criteria provided. Collection method: clinical testing. Allele origin: unknown. Not counted in ClinVar's aggregate classification.

Counsyl
Classification: Likely pathogenic for Multiple epiphyseal dysplasia type 4. Last evaluated: 2015-11-18. Review status: no assertion criteria provided. Collection method: clinical testing. Allele origin: unknown. Not counted in ClinVar's aggregate classification.

Counsyl
Classification: Likely pathogenic for Atelosteogenesis type II. Last evaluated: 2015-11-18. Review status: no assertion criteria provided. Collection method: clinical testing. Allele origin: unknown. Not counted in ClinVar's aggregate classification.

Counsyl
Classification: Likely pathogenic for Achondrogenesis, type IB. Last evaluated: 2015-11-18. Review status: no assertion criteria provided. Collection method: clinical testing. Allele origin: unknown. Not counted in ClinVar's aggregate classification.